The following is an entry in ClinVar:

NM_000742.4(CHRNA2):c.1478G>A (p.Trp493Ter)

Gene: CHRNA2 (cholinergic receptor nicotinic alpha 2 subunit; minus strand). Cytogenetic location: 8p21.2.
Variant type: single nucleotide variant.
Coding change: c.1478G>A on transcript NM_000742.4 (MANE Select); coding-DNA position 1478, G replaced by A.
Protein change: p.Trp493Ter; replaces tryptophan 493 with a stop codon.
Molecular consequence: nonsense.
Genome position (GRCh38, 1-based): chr8:27,461,741, C>T on the plus strand (G>A on the coding strand, the complement: CHRNA2 is on the minus strand). VCF-style: chr8-27461741-C-T. GRCh37 (hg19) VCF-style: chr8-27319258-C-T.
Other names: c.1433G>A, p.Trp478Ter (NM_001282455.2); c.1001G>A, p.Trp334Ter (NM_001347705.2, NM_001347706.2); c.884G>A, p.Trp295Ter (NM_001347707.2, NM_001347708.2); short protein forms W334*, W493*, W295*, W478*.
Identifiers: ClinVar variation 1030885 (VCV001030885.1), dbSNP rs374449470, ClinGen allele CA370807353.

ClinVar aggregate classification (germline): Uncertain significance (1 of 4 stars; one submission).

Conditions:
Autosomal dominant nocturnal frontal lobe epilepsy 4. Also called: CHRNA2-Related Nocturnal Frontal Lobe Epilepsy, Autosomal Dominant; EPILEPSY, FAMILIAL, WITH NOCTURNAL WANDERING AND ICTAL FEAR. Identifiers: Orphanet 98784, MedGen C1835905, MONDO:0012474, OMIM 610353.

Submission:

Baylor Genetics
Classification: Uncertain significance for Autosomal dominant nocturnal frontal lobe epilepsy 4. Last evaluated: 2020-01-17. Review status: criteria provided, single submitter. Criteria: ACMG Guidelines, 2015. Collection method: clinical testing. Allele origin: unknown. Affected: yes.
Comment: This variant was determined to be of uncertain significance according to ACMG Guidelines, 2015 [PMID:25741868].